The following is an entry in ClinVar:

ClinVar aggregate classification (germline): Uncertain significance (1 of 4 stars; one submission).

Conditions:
Emery-Dreifuss muscular dystrophy 4, autosomal dominant (EDMD4). Also called: EMERY-DREIFUSS MUSCULAR DYSTROPHY 4 WITH VARIABLE FEATURES. Identifiers: Orphanet 261, MedGen C2751807, MONDO:0013071, OMIM 612998.
Autosomal recessive ataxia, Beauce type. Also called: SYNE1-Related Autosomal Recessive Cerebellar Ataxia; SYNE1 Deficiency; Spinocerebellar ataxia, autosomal recessive 8; ATAXIA, RECESSIVE, OF BEAUCE. Identifiers: Orphanet 88644, MedGen C1853116, MONDO:0012549, OMIM 610743.

Submission:

Labcorp Genetics (formerly Invitae), Labcorp
Classification: Uncertain significance for Emery-Dreifuss muscular dystrophy 4, autosomal dominant; Autosomal recessive ataxia, Beauce type. Last evaluated: 2023-07-13. Review status: criteria provided, single submitter. Criteria: Invitae Variant Classification Sherloc (09022015). Collection method: clinical testing. Allele origin: germline.
Comment: In summary, the available evidence is currently insufficient to determine the role of this variant in disease. Therefore, it has been classified as a Variant of Uncertain Significance. Algorithms developed to predict the effect of missense changes on protein structure and function output the following: SIFT: "Not Available"; PolyPhen-2: "Benign"; Align-GVGD: "Not Available". The alanine amino acid residue is found in multiple mammalian species, which suggests that this missense change does not adversely affect protein function. This variant has not been reported in the literature in individuals affected with SYNE1-related conditions. This variant is not present in population databases (gnomAD no frequency). This sequence change replaces threonine, which is neutral and polar, with alanine, which is neutral and non-polar, at codon 2310 of the SYNE1 protein (p.Thr2310Ala).

NM_182961.4(SYNE1):c.6907A>G (p.Thr2303Ala)

Gene: SYNE1 (spectrin repeat containing nuclear envelope protein 1; minus strand). Cytogenetic location: 6q25.2.
Variant type: single nucleotide variant.
Coding change: c.6907A>G on transcript NM_182961.4 (MANE Select); coding-DNA position 6907, A replaced by G.
Protein change: p.Thr2303Ala; replaces threonine 2303 with alanine.
Molecular consequence: missense variant.
Genome position (GRCh38, 1-based): chr6:152,401,260, T>C on the plus strand (A>G on the coding strand, the complement: SYNE1 is on the minus strand). VCF-style: chr6-152401260-T-C. GRCh37 (hg19) VCF-style: chr6-152722395-T-C.
Other names: c.6928A>G, p.Thr2310Ala (NM_033071.5); short protein forms T2303A, T2310A.
Identifiers: ClinVar variation 2949276 (VCV002949276.3), dbSNP rs2494340413, ClinGen allele CA366120006.
Genomic context (GRCh38, chr6:152,401,260, plus strand): 5'-CTTTTGTGAACCATGTTGTTATGTCATTAATAAACTTCTCCACTTGTGTACTTTGAGCCG[T>C]GAAATCCTTCAGGGTTCCTTTTGCTACTTCAGTTATTTCTTTGGCATGCTCCAGTTTCTG-3'
Protein context (NP_892006.3, residues 2293-2313): EVAKGTLKDF[Thr2303Ala]AQSTQVEKFI